The following is an entry in ClinVar:

NM_002500.5(NEUROD1):c.490G>A (p.Asp164Asn)

Gene: NEUROD1 (neuronal differentiation 1; minus strand). Cytogenetic location: 2q31.3.
Variant type: single nucleotide variant.
Coding change: c.490G>A on transcript NM_002500.5 (MANE Select); coding-DNA position 490, G replaced by A.
Protein change: p.Asp164Asn; replaces aspartic acid 164 with asparagine.
Molecular consequence: missense variant.
Genome position (GRCh38, 1-based): chr2:181,678,371, C>T on the plus strand (G>A on the coding strand, the complement: NEUROD1 is on the minus strand). VCF-style: chr2-181678371-C-T. GRCh37 (hg19) VCF-style: chr2-182543098-C-T.
Other names: c.490G>A (NM_002500.3); short protein forms D164N.
Identifiers: ClinVar variation 2080112 (VCV002080112.5), dbSNP rs767952590, ClinGen allele CA2011126.

ClinVar aggregate classification (germline): Uncertain significance. Review status: criteria provided, multiple submitters, no conflicts (2 of 4 stars). 2 submissions from 2 submitters: Uncertain significance (2). Last evaluated 2025-05-30.

Conditions:
Inborn genetic diseases. Identifiers: MedGen C0950123, MeSH D030342.

Allele frequency attached by ClinVar (database versions not stated): TOPMed below 0.00001; gnomAD 0.00001; gnomAD exomes 0.00001; ExAC 0.00003.
gnomAD v4.1: 7 of 1,614,078 alleles (0.00043%); highest among the groups gnomAD compares: Admixed American, 0.01%; no homozygotes.

Submissions (2):

Ambry Genetics
Classification: Uncertain significance for Inborn genetic diseases. Last evaluated: 2025-05-30. Review status: criteria provided, single submitter. Criteria: Ambry Variant Classification Scheme 2023. Collection method: clinical testing. Allele origin: germline.

Labcorp Genetics (formerly Invitae), Labcorp
Classification: Uncertain significance. Last evaluated: 2024-12-19. Review status: criteria provided, single submitter. Criteria: Invitae Variant Classification Sherloc (09022015). Collection method: clinical testing. Allele origin: germline.
Comment: This sequence change replaces aspartic acid, which is acidic and polar, with asparagine, which is neutral and polar, at codon 164 of the NEUROD1 protein (p.Asp164Asn). This variant is present in population databases (rs767952590, gnomAD 0.02%). This variant has not been reported in the literature in individuals affected with NEUROD1-related conditions. ClinVar contains an entry for this variant (Variation ID: 2080112). Invitae Evidence Modeling of protein sequence and biophysical properties (such as structural, functional, and spatial information, amino acid conservation, physicochemical variation, residue mobility, and thermodynamic stability) has been performed for this missense variant. However, the output from this modeling did not meet the statistical confidence thresholds required to predict the impact of this variant on NEUROD1 protein function. In summary, the available evidence is currently insufficient to determine the role of this variant in disease. Therefore, it has been classified as a Variant of Uncertain Significance.